The following is an entry in ClinVar:

NM_024529.5(CDC73):c.167C>T (p.Thr56Ile)

Gene: CDC73 (cell division cycle 73; plus strand). Cytogenetic location: 1q31.2.
Variant type: single nucleotide variant.
Coding change: c.167C>T on transcript NM_024529.5 (MANE Select); coding-DNA position 167, C replaced by T.
Protein change: p.Thr56Ile; replaces threonine 56 with isoleucine.
Molecular consequence: missense variant.
Genome position (GRCh38, 1-based): chr1:193,125,147, C>T. VCF-style: chr1-193125147-C-T. GRCh37 (hg19) VCF-style: chr1-193094277-C-T.
Other names: short protein forms T56I.
Identifiers: ClinVar variation 3998663 (VCV003998663.2).

ClinVar aggregate classification (germline): Uncertain significance. Review status: criteria provided, multiple submitters, no conflicts (2 of 4 stars). 2 submissions from 2 submitters: Uncertain significance (2). Last evaluated 2025-05-24.

Conditions:
Parathyroid carcinoma (PRTC). Also called: CDC73-Related Parathyroid Carcinoma; Parathyroid gland carcinoma. Identifiers: Orphanet 143, MedGen C0687150, MONDO:0012004, OMIM 608266, HP:0006780.
Hereditary cancer-predisposing syndrome. Also called: Tumor predisposition; Hereditary neoplastic syndrome; Neoplastic Syndromes, Hereditary; Hereditary Cancer Syndrome. Identifiers: Orphanet 140162, MedGen C0027672, MeSH D009386, MONDO:0015356.

gnomAD v4.1: 1 of 1,609,286 alleles (0.000062%); highest among the groups gnomAD compares: Admixed American, 0.0017%; no homozygotes.

Submissions (2):

Ambry Genetics
Classification: Uncertain significance for Hereditary cancer-predisposing syndrome. Last evaluated: 2025-05-24. Review status: criteria provided, single submitter. Criteria: Ambry Variant Classification Scheme 2023. Collection method: clinical testing. Allele origin: germline.
Comment: The p.T56I variant (also known as c.167C>T), located in coding exon 2 of the CDC73 gene, results from a C to T substitution at nucleotide position 167. The threonine at codon 56 is replaced by isoleucine, an amino acid with similar properties. This amino acid position is conserved. In addition, this alteration is predicted to be deleterious by in silico analysis. Based on the available evidence, the clinical significance of this variant remains unclear.

Labcorp Genetics (formerly Invitae), Labcorp
Classification: Uncertain significance for Parathyroid carcinoma. Last evaluated: 2025-04-07. Review status: criteria provided, single submitter. Criteria: Invitae Variant Classification Sherloc (09022015). Collection method: clinical testing. Allele origin: germline.
Comment: This sequence change replaces threonine, which is neutral and polar, with isoleucine, which is neutral and non-polar, at codon 56 of the CDC73 protein (p.Thr56Ile). This variant is present in population databases (no rsID available, gnomAD 0.003%). This variant has not been reported in the literature in individuals affected with CDC73-related conditions. Invitae Evidence Modeling of protein sequence and biophysical properties (such as structural, functional, and spatial information, amino acid conservation, physicochemical variation, residue mobility, and thermodynamic stability) indicates that this missense variant is expected to disrupt CDC73 protein function with a positive predictive value of 80%. In summary, the available evidence is currently insufficient to determine the role of this variant in disease. Therefore, it has been classified as a Variant of Uncertain Significance.